The following is an entry in ClinVar:

NM_000533.5(PLP1):c.328G>A (p.Gly110Ser)

Genes: PLP1 (proteolipid protein 1; plus strand), RAB9B (RAB9B, member RAS oncogene family; minus strand). Cytogenetic location: Xq22.2.
Variant type: single nucleotide variant.
Coding change: c.328G>A on transcript NM_000533.5 (MANE Select); coding-DNA position 328, G replaced by A.
Protein change: p.Gly110Ser; replaces glycine 110 with serine.
Molecular consequence: missense variant.
Genome position (GRCh38, 1-based): chrX:103,786,601, G>A. VCF-style: chrX-103786601-G-A. GRCh37 (hg19) VCF-style: chrX-103041530-G-A.
Other names: c.328G>A, p.Gly110Ser (NM_001128834.3, NM_199478.3); c.163G>A, p.Gly55Ser (NM_001305004.1); short protein forms G110S, G55S.
Identifiers: ClinVar variation 1303907 (VCV001303907.5), dbSNP rs1283059062, ClinGen allele CA414102701.

ClinVar aggregate classification (germline): Uncertain significance. Review status: criteria provided, multiple submitters, no conflicts (2 of 4 stars). 3 submissions from 3 submitters: Uncertain significance (3). Last evaluated 2026-06-03.

Conditions:
Pelizaeus-Merzbacher disease. Also called: LEUKODYSTROPHY, HYPOMYELINATING, 1; Sudanophilic leukodystrophy; Pelizeaus-Merzbacher spectrum disorder; Pelizaeus-Merzbacher spectrum disorder; Pelizaeus-Merzbacher Disease (PMD). Identifiers: Orphanet 702, MedGen C0205711, MONDO:0010714, OMIM 312080, HP:0003269.
Hereditary spastic paraplegia 2 (SPG2). Also called: SPASTIC PARAPLEGIA 2, X-LINKED; Spastic Paraplegia 2 (SPG2). Identifiers: Orphanet 99015, MedGen C0751604, MONDO:0010733, OMIM 312920.

Allele frequency attached by ClinVar (database versions not stated): gnomAD exomes 0.00001 and 0.00002.
gnomAD v4.1: 18 of 1,211,719 alleles (0.0015%); highest among the groups gnomAD compares: Admixed American, 0.0022%; no homozygotes.

Submissions (3):

Myriad Genetics, Inc.
Classification: Uncertain significance for Pelizaeus-Merzbacher disease. Last evaluated: 2026-06-03. Review status: criteria provided, single submitter. Criteria: Myriad Autosomal Dominant, Autosomal Recessive and X-Linked Classification Criteria (2023). Collection method: clinical testing. Allele origin: unknown.
Comment: NM_000533.3(PLP1):c.328G>A(G110S) is a missense variant classified as a variant of uncertain significance in the context of PLP1-related disorders. G110S has not been observed in cases with relevant disease. Relevant functional assessments of this variant are not available in the literature. G110S has been observed in referenced population frequency databases. In summary, there is insufficient evidence to classify NM_000533.3(PLP1):c.328G>A(G110S) as pathogenic or benign. Please note: this variant was assessed in the context of healthy population screening.

Labcorp Genetics (formerly Invitae), Labcorp
Classification: Uncertain significance for Hereditary spastic paraplegia 2. Last evaluated: 2022-11-17. Review status: criteria provided, single submitter. Criteria: Invitae Variant Classification Sherloc (09022015). Collection method: clinical testing. Allele origin: germline.
Comment: This sequence change replaces glycine, which is neutral and non-polar, with serine, which is neutral and polar, at codon 110 of the PLP1 protein (p.Gly110Ser). The frequency data for this variant in the population databases is considered unreliable, as metrics indicate poor data quality at this position in the gnomAD database. This variant has not been reported in the literature in individuals affected with PLP1-related conditions. ClinVar contains an entry for this variant (Variation ID: 1303907). Advanced modeling of protein sequence and biophysical properties (such as structural, functional, and spatial information, amino acid conservation, physicochemical variation, residue mobility, and thermodynamic stability) performed at Invitae indicates that this missense variant is not expected to disrupt PLP1 protein function. In summary, the available evidence is currently insufficient to determine the role of this variant in disease. Therefore, it has been classified as a Variant of Uncertain Significance.

GeneDx
Classification: Uncertain significance. Last evaluated: 2020-11-09. Review status: criteria provided, single submitter. Criteria: GeneDx Variant Classification Process June 2021. Collection method: clinical testing. Allele origin: germline. Affected: yes.
Comment: Reported hemizygous in a proband with autism spectrum disorder who was also hemizygous for variants in the ASB9 and PKD3 genes (Al-Mubarak et al., 2017); Not observed at a significant frequency in large population cohorts (Lek et al., 2016); In silico analysis supports that this missense variant has a deleterious effect on protein structure/function; Missense variants in this gene are often considered pathogenic (Stenson et al., 2014); This variant is associated with the following publications: (PMID: 28720891)